The following is an entry in ClinVar:

ClinVar aggregate classification (germline): Benign. Review status: criteria provided, multiple submitters, no conflicts (2 of 4 stars). 6 submissions from 6 submitters: Benign (6). Last evaluated 2026-04-14.

Conditions:
Familial intrahepatic cholestasis. Identifiers: Orphanet 284385, MedGen CN296401, MONDO:0017290.
Progressive familial intrahepatic cholestasis type 1. Also called: Severe ATP8B1 Deficiency (Progressive Familial Intrahepatic Cholestasis Type 1 [PFIC1]); BYLER DISEASE; Byler's disease. Identifiers: Orphanet 79306, MedGen C4551898, MONDO:0008892, OMIM 211600.

Allele frequency attached by ClinVar (database versions not stated): gnomAD exomes 0.00170 and 0.00465; ExAC 0.00556; gnomAD 0.01790 and 0.01910; TOPMed 0.01963; 1000 Genomes Project 0.01977; 1000 Genomes Project 30x 0.01999; ESP Exome Variant Server 0.02030.
gnomAD v4.1: 5,316 of 1,614,026 alleles (0.33%); highest among the groups gnomAD compares: African/African-American, 6.3%; 149 homozygotes.

Submissions (17):

Genomenon, Inc
Classification: Benign for Familial intrahepatic cholestasis. Last evaluated: 2026-04-14. Review status: criteria provided, single submitter. Criteria: Genomenon Sequence Variant Interpretation Standards - Updated. Collection method: curation. Allele origin: germline. Affected: no.
Comment: ATP8B1 c.3016-9C>A is an intronic variant located in the acceptor splice region of intron 24. In silico models predict that this variant is not damaging. This variant is present at high allele frequency in population databases. In conclusion, we classify ATP8B1 c.3016-9C>A as a benign variant.

Labcorp Genetics (formerly Invitae), Labcorp
Classification: Benign. Last evaluated: 2026-02-04. Review status: criteria provided, single submitter. Criteria: Invitae Variant Classification Sherloc (09022015). Collection method: clinical testing. Allele origin: germline.

Mayo Clinic Laboratories, Mayo Clinic
Classification: Benign. Last evaluated: 2023-03-27. Review status: criteria provided, single submitter. Criteria: ACMG Guidelines, 2015. Collection method: clinical testing. Allele origin: germline. Observed: 12 variant alleles.
Comment: BA1, BP4, BP7

Illumina Laboratory Services, Illumina
Classification: Benign for Progressive familial intrahepatic cholestasis type 1. Last evaluated: 2018-01-13. Review status: criteria provided, single submitter. Criteria: ICSL Variant Classification Criteria 13 December 2019. Collection method: clinical testing. Allele origin: germline.
Comment: This variant was observed in the ICSL laboratory as part of a predisposition screen in an ostensibly healthy population. It had not been previously curated by ICSL or reported in the Human Gene Mutation Database (HGMD: prior to June 1st, 2018), and was therefore a candidate for classification through an automated scoring system. Utilizing variant allele frequency, disease prevalence and penetrance estimates, and inheritance mode, an automated score was calculated to assess if this variant is too frequent to cause the disease. Based on the score and internal cut-off values, a variant classified as benign is not then subjected to further curation. The score for this variant resulted in a classification of benign for this disease.

GeneDx
Classification: Benign. Last evaluated: 2016-02-08. Review status: criteria provided, single submitter. Criteria: GeneDx Variant Classification (06012015). Collection method: clinical testing. Allele origin: germline. Affected: yes.
Comment: This variant is considered likely benign or benign based on one or more of the following criteria: it is a conservative change, it occurs at a poorly conserved position in the protein, it is predicted to be benign by multiple in silico algorithms, and/or has population frequency not consistent with disease.

Breakthrough Genomics
Classification: Benign. Review status: criteria provided, single submitter. Criteria: ACMG Guidelines, 2015. Collection method: not provided. Allele origin: germline. Inheritance: Autosomal recessive inheritance. Affected: yes.

Dr. Peter K. Rogan Lab, Western University
No classification provided (evidence only). Condition: Lung cancer. Review status: no classification provided. Collection method: in vitro. Allele origin: not applicable. Functional consequence: retained intron. Not counted in ClinVar's aggregate classification.

Dr. Peter K. Rogan Lab, Western University
No classification provided (evidence only). Condition: Lung cancer. Review status: no classification provided. Collection method: in vitro. Allele origin: not applicable. Functional consequence: retained intron. Not counted in ClinVar's aggregate classification.

Dr. Peter K. Rogan Lab, Western University
No classification provided (evidence only). Condition: Acute myeloid leukemia. Review status: no classification provided. Collection method: in vitro. Allele origin: not applicable. Functional consequence: retained intron. Not counted in ClinVar's aggregate classification.

Dr. Peter K. Rogan Lab, Western University
No classification provided (evidence only). Condition: Acute myeloid leukemia. Review status: no classification provided. Collection method: in vitro. Allele origin: not applicable. Functional consequence: retained intron. Not counted in ClinVar's aggregate classification.

Dr. Peter K. Rogan Lab, Western University
No classification provided (evidence only). Condition: Uterine corpus endometrial carcinoma. Review status: no classification provided. Collection method: in vitro. Allele origin: not applicable. Functional consequence: retained intron. Not counted in ClinVar's aggregate classification.

Dr. Peter K. Rogan Lab, Western University
No classification provided (evidence only). Condition: Uterine corpus endometrial carcinoma. Review status: no classification provided. Collection method: in vitro. Allele origin: not applicable. Functional consequence: retained intron. Not counted in ClinVar's aggregate classification.

Dr. Peter K. Rogan Lab, Western University
No classification provided (evidence only). Condition: Uterine corpus endometrial carcinoma. Review status: no classification provided. Collection method: in vitro. Allele origin: not applicable. Functional consequence: retained intron. Not counted in ClinVar's aggregate classification.

Dr. Peter K. Rogan Lab, Western University
No classification provided (evidence only). Condition: Uterine corpus endometrial carcinoma. Review status: no classification provided. Collection method: in vitro. Allele origin: not applicable. Functional consequence: retained intron. Not counted in ClinVar's aggregate classification.

Dr. Peter K. Rogan Lab, Western University
No classification provided (evidence only). Condition: Cervical cancer. Review status: no classification provided. Collection method: in vitro. Allele origin: not applicable. Functional consequence: skipped exon, retained intron. Not counted in ClinVar's aggregate classification.

Dr. Peter K. Rogan Lab, Western University
No classification provided (evidence only). Condition: Cervical cancer. Review status: no classification provided. Collection method: in vitro. Allele origin: not applicable. Functional consequence: skipped exon. Not counted in ClinVar's aggregate classification.

Dr. Peter K. Rogan Lab, Western University
No classification provided (evidence only). Condition: Gastric cancer. Review status: no classification provided. Collection method: in vitro. Allele origin: not applicable. Functional consequence: retained intron. Not counted in ClinVar's aggregate classification.

Literature cited by the submitters: PubMed 35894240 (cited by Mayo Clinic Laboratories, Mayo Clinic).

NM_001374385.1(ATP8B1):c.3016-9C>A

Genes: ATP8B1-AS1 (ATP8B1 antisense RNA 1; plus strand), ATP8B1 (ATPase phospholipid transporting 8B1; minus strand). Cytogenetic location: 18q21.31.
Variant type: single nucleotide variant.
Coding change: c.3016-9C>A on transcript NM_001374385.1 (MANE Select); 9 bases into the intron before coding-DNA position 3016, C replaced by A.
Molecular consequence: intron variant.
Genome position (GRCh38, 1-based): chr18:57,652,738, G>T on the plus strand (C>A on the coding strand, the complement: ATP8B1 is on the minus strand). VCF-style: chr18-57652738-G-T. GRCh37 (hg19) VCF-style: chr18-55319970-G-T.
Other names: p.?; c.3016-9C>A (NM_005603.6); c.2866-9C>A (NM_001374386.1).
Identifiers: ClinVar variation 327470 (VCV000327470.17), dbSNP rs34729241, ClinGen allele CA8974090.